The following is an entry in ClinVar:

NM_015178.3(RHOBTB2):c.1322A>G (p.Asn441Ser)

Gene: RHOBTB2 (Rho related BTB domain containing 2; plus strand). Cytogenetic location: 8p21.3.
Variant type: single nucleotide variant.
Coding change: c.1322A>G on transcript NM_015178.3 (MANE Select); coding-DNA position 1322, A replaced by G.
Protein change: p.Asn441Ser; replaces asparagine 441 with serine.
Molecular consequence: missense variant.
Genome position (GRCh38, 1-based): chr8:23,007,567, A>G. VCF-style: chr8-23007567-A-G. GRCh37 (hg19) VCF-style: chr8-22865080-A-G.
Other names: c.1388A>G, p.Asn463Ser (NM_001160036.2); c.1343A>G, p.Asn448Ser (NM_001160037.2); c.1322A>G, p.Asn441Ser (NM_001374791.1); short protein forms N448S, N463S, N441S.
Identifiers: ClinVar variation 3681776 (VCV003681776.2).

ClinVar aggregate classification (germline): Uncertain significance (1 of 4 stars; one submission).

gnomAD v4.1: 1 of 1,614,142 alleles (0.000062%); highest among the groups gnomAD compares: Non-Finnish European, 0.000085%; no homozygotes.

Submission:

Labcorp Genetics (formerly Invitae), Labcorp
Classification: Uncertain significance. Last evaluated: 2024-11-21. Review status: criteria provided, single submitter. Criteria: Invitae Variant Classification Sherloc (09022015). Collection method: clinical testing. Allele origin: germline.
Comment: This sequence change replaces asparagine, which is neutral and polar, with serine, which is neutral and polar, at codon 463 of the RHOBTB2 protein (p.Asn463Ser). This variant is present in population databases (rs771306869, gnomAD 0.0009%). This variant has not been reported in the literature in individuals affected with RHOBTB2-related conditions. Invitae Evidence Modeling of protein sequence and biophysical properties (such as structural, functional, and spatial information, amino acid conservation, physicochemical variation, residue mobility, and thermodynamic stability) indicates that this missense variant is not expected to disrupt RHOBTB2 protein function with a negative predictive value of 80%. In summary, the available evidence is currently insufficient to determine the role of this variant in disease. Therefore, it has been classified as a Variant of Uncertain Significance.